The following is an entry in ClinVar:

NM_001005242.3(PKP2):c.369G>A (p.Trp123Ter)

Gene: PKP2 (plakophilin 2; minus strand). Cytogenetic location: 12p11.21.
Variant type: single nucleotide variant.
Coding change: c.369G>A on transcript NM_001005242.3 (MANE Select); coding-DNA position 369, G replaced by A.
Protein change: p.Trp123Ter; replaces tryptophan 123 with a stop codon.
Molecular consequence: nonsense.
Genome position (GRCh38, 1-based): chr12:32,878,511, C>T on the plus strand (G>A on the coding strand, the complement: PKP2 is on the minus strand). VCF-style: chr12-32878511-C-T. GRCh37 (hg19) VCF-style: chr12-33031445-C-T.
Other names: p.W123*:TGG>TGA; c.369G>A, p.Trp123Ter (NM_004572.4); short protein forms W123*.
Identifiers: ClinVar variation 201970 (VCV000201970.67), dbSNP rs774663443, ClinGen allele CA012284.

ClinVar aggregate classification (germline): Pathogenic. Review status: criteria provided, multiple submitters, no conflicts (2 of 4 stars). 8 submissions from 8 submitters: Pathogenic (8). Last evaluated 2026-01-26.

Conditions:
Cardiovascular phenotype. Identifiers: MedGen CN230736.
Arrhythmogenic right ventricular dysplasia 9 (ARVD9). Also called: Arrhythmogenic Right Ventricular Dysplasia/Cardiomyopathy 9; ARRHYTHMOGENIC RIGHT VENTRICULAR DYSPLASIA, FAMILIAL, 9. Identifiers: MedGen C1836906, MONDO:0012180, OMIM 609040.

Allele frequency attached by ClinVar (database versions not stated): gnomAD exomes below 0.00001; ExAC 0.00001.

Submissions (8):

Labcorp Genetics (formerly Invitae), Labcorp
Classification: Pathogenic for Arrhythmogenic right ventricular dysplasia 9. Last evaluated: 2026-01-26. Review status: criteria provided, single submitter. Criteria: Invitae Variant Classification Sherloc (09022015). Collection method: clinical testing. Allele origin: germline.
Comment: This sequence change creates a premature translational stop signal (p.Trp123*) in the PKP2 gene. It is expected to result in an absent or disrupted protein product. Loss-of-function variants in PKP2 are known to be pathogenic (PMID: 15489853, 17041889, 23911551). This variant is present in population databases (rs774663443, gnomAD 0.0009%). This premature translational stop signal has been observed in individual(s) with clinical features of arrhythmogenic right ventricular cardiomyopathy (PMID: 22035158, 28600387). ClinVar contains an entry for this variant (Variation ID: 201970). For these reasons, this variant has been classified as Pathogenic.

Ambry Genetics
Classification: Pathogenic for Cardiovascular phenotype. Last evaluated: 2025-07-23. Review status: criteria provided, single submitter. Criteria: Ambry Variant Classification Scheme 2023. Collection method: clinical testing. Allele origin: germline.
Comment: The c.369G>A (p.W123*) alteration, located in exon 3 (coding exon 3) of the PKP2 gene, consists of a G to A substitution at nucleotide position 369. This changes the amino acid from a tryptophan (W) to a stop codon at amino acid position 123. This alteration is expected to result in loss of function by premature protein truncation or nonsense-mediated mRNA decay. Based on data from gnomAD, the A allele has an overall frequency of <0.001% (1/248426) total alleles studied. The highest observed frequency was 0.001% (1/112296) of European (non-Finnish) alleles. A different nucleotide change resulting in the same protein impact (c.368G>A, p.W123*) has been reported in individuals with arrhythmogenic right ventricular cardiomyopathy (ARVC) and affected family members (Aneq, 2012; Mellor, 2017). Based on the available evidence, this alteration is classified as pathogenic.

MVZ Martinsried, Medicover Genetics
Classification: Pathogenic for Arrhythmogenic right ventricular dysplasia 9. Last evaluated: 2025-04-17. Review status: criteria provided, single submitter. Criteria: ACGS Guidelines, 2020. Collection method: clinical testing. Allele origin: unknown. Affected: yes. Observed: 1 heterozygote.

Institute of Human Genetics, Heidelberg University
Classification: Pathogenic for Arrhythmogenic right ventricular dysplasia 9. Last evaluated: 2024-11-08. Review status: criteria provided, single submitter. Criteria: ACMG Guidelines, 2015. Collection method: clinical testing. Allele origin: maternal. Observed: 2 variant alleles.

CeGaT Center for Human Genetics Tuebingen
Classification: Pathogenic. Last evaluated: 2023-07-01. Review status: criteria provided, single submitter. Criteria: CeGaT Center For Human Genetics Tuebingen Variant Classification Criteria Version 2. Collection method: clinical testing. Allele origin: germline. Affected: yes. Observed: 3 variant alleles.
Comment: PKP2: PVS1, PM2, PS4:Moderate, PP4

GeneDx
Classification: Pathogenic. Last evaluated: 2021-11-30. Review status: criteria provided, single submitter. Criteria: GeneDx Variant Classification Process June 2021. Collection method: clinical testing. Allele origin: germline. Affected: yes.
Comment: Reported in association with arrhythmogenic right ventricular cardiomyopathy (ARVC) and inherited cardiomyopathy in the published literature (van Lint et al., 2019; Marschall et al., 2019; Kolokotronis et al., 2020); Not observed at significant frequency in large population cohorts (Lek et al., 2016); Nonsense variant predicted to result in protein truncation or nonsense mediated decay in a gene for which loss-of-function is a known mechanism of disease; Reported in ClinVar (ClinVar Variant ID#201970; Landrum et al., 2016); This variant is associated with the following publications: (PMID: 31386562, 31737537, 32659924, 34816084, 32615795)

Fulgent Genetics
Classification: Pathogenic for Arrhythmogenic right ventricular dysplasia 9. Last evaluated: 2021-11-12. Review status: criteria provided, single submitter. Criteria: ACMG Guidelines, 2015. Collection method: clinical testing. Allele origin: unknown.

Revvity Omics, Revvity
Classification: Pathogenic for Arrhythmogenic right ventricular dysplasia 9. Last evaluated: 2019-10-29. Review status: criteria provided, single submitter. Criteria: ACMG Guidelines, 2015. Collection method: clinical testing. Allele origin: germline.

Literature cited by the submitters: PubMed 15489853 (cited by Labcorp Genetics (formerly Invitae), Labcorp); PubMed 17041889 (cited by Labcorp Genetics (formerly Invitae), Labcorp); PubMed 23911551 (cited by Labcorp Genetics (formerly Invitae), Labcorp); PubMed 22035158 (cited by Labcorp Genetics (formerly Invitae), Labcorp and Ambry Genetics); PubMed 28600387 (cited by Labcorp Genetics (formerly Invitae), Labcorp and Ambry Genetics).